The following is an entry in ClinVar:

ClinVar aggregate classification (germline): Likely benign (1 of 4 stars; one submission).

Submission:

CeGaT Center for Human Genetics Tuebingen
Classification: Likely benign. Last evaluated: 2023-10-01. Review status: criteria provided, single submitter. Criteria: CeGaT Center For Human Genetics Tuebingen Variant Classification Criteria Version 2. Collection method: clinical testing. Allele origin: germline. Affected: yes. Observed: 1 variant allele.
Comment: RYR3: PM2:Supporting, BP4, BP7

NM_001036.6(RYR3):c.5076G>A (p.Arg1692=)

Gene: RYR3 (ryanodine receptor 3; plus strand). Cytogenetic location: 15q14.
Variant type: single nucleotide variant.
Coding change: c.5076G>A on transcript NM_001036.6 (MANE Select); coding-DNA position 5076, G replaced by A.
Protein change: p.Arg1692=; no amino-acid change (arginine 1692 retained).
Molecular consequence: synonymous variant.
Genome position (GRCh38, 1-based): chr15:33,662,606, G>A. VCF-style: chr15-33662606-G-A. GRCh37 (hg19) VCF-style: chr15-33954807-G-A.
Other names: c.5076G>A, p.Arg1692= (NM_001243996.4).
Identifiers: ClinVar variation 2645140 (VCV002645140.24), dbSNP rs2504765347, ClinGen allele CA489648864.